The following is an entry in ClinVar:

ClinVar aggregate classification (germline): Uncertain significance. Review status: criteria provided, multiple submitters, no conflicts (2 of 4 stars). 3 submissions from 3 submitters: Uncertain significance (3). Last evaluated 2024-09-15.

Conditions:
Inborn genetic diseases. Identifiers: MedGen C0950123, MeSH D030342.
Spastic paraplegia. Identifiers: MedGen C0037772, HP:0001258.

Allele frequency attached by ClinVar (database versions not stated): gnomAD 0.00001; gnomAD exomes 0.00002; TOPMed 0.00003; ExAC 0.00006; ESP Exome Variant Server 0.00015.
gnomAD v4.1: 34 of 1,613,930 alleles (0.0021%); highest among the groups gnomAD compares: East Asian, 0.0045%; no homozygotes.

Submissions (3):

GeneDx
Classification: Uncertain significance. Last evaluated: 2024-09-15. Review status: criteria provided, single submitter. Criteria: GeneDx Variant Classification Process June 2021. Collection method: clinical testing. Allele origin: germline. Affected: yes.
Comment: Not observed at significant frequency in large population cohorts (gnomAD); In silico analysis supports that this missense variant has a deleterious effect on protein structure/function; Has not been previously published as pathogenic or benign to our knowledge

Ambry Genetics
Classification: Uncertain significance for Inborn genetic diseases. Last evaluated: 2024-07-10. Review status: criteria provided, single submitter. Criteria: Ambry Variant Classification Scheme 2023. Collection method: clinical testing. Allele origin: germline.

Labcorp Genetics (formerly Invitae), Labcorp
Classification: Uncertain significance for Spastic paraplegia. Last evaluated: 2021-07-13. Review status: criteria provided, single submitter. Criteria: Invitae Variant Classification Sherloc (09022015). Collection method: clinical testing. Allele origin: germline.
Comment: This sequence change replaces glycine with arginine at codon 2512 of the ZFYVE26 protein (p.Gly2512Arg). The glycine residue is highly conserved and there is a moderate physicochemical difference between glycine and arginine. This variant is present in population databases (rs148944480, ExAC 0.02%). This variant has not been reported in the literature in individuals affected with ZFYVE26-related conditions. Algorithms developed to predict the effect of missense changes on protein structure and function are either unavailable or do not agree on the potential impact of this missense change (SIFT: "Deleterious"; PolyPhen-2: "Probably Damaging"; Align-GVGD: "Class C0"). In summary, the available evidence is currently insufficient to determine the role of this variant in disease. Therefore, it has been classified as a Variant of Uncertain Significance.

NM_015346.4(ZFYVE26):c.7534G>A (p.Gly2512Arg)

Gene: ZFYVE26 (zinc finger FYVE-type containing 26; minus strand). Cytogenetic location: 14q24.1.
Variant type: single nucleotide variant.
Coding change: c.7534G>A on transcript NM_015346.4 (MANE Select); coding-DNA position 7534, G replaced by A.
Protein change: p.Gly2512Arg; replaces glycine 2512 with arginine.
Molecular consequence: missense variant.
Genome position (GRCh38, 1-based): chr14:67,748,522, C>T on the plus strand (G>A on the coding strand, the complement: ZFYVE26 is on the minus strand). VCF-style: chr14-67748522-C-T. GRCh37 (hg19) VCF-style: chr14-68215239-C-T.
Other names: c.7534G>A (NM_015346.3); short protein forms G2512R.
Identifiers: ClinVar variation 2172689 (VCV002172689.3), dbSNP rs148944480, ClinGen allele CA7238917.